The following is an entry in ClinVar:

NM_001291303.3(FAT4):c.9505A>G (p.Ile3169Val)

Gene: FAT4 (FAT atypical cadherin 4; plus strand). Cytogenetic location: 4q28.1.
Variant type: single nucleotide variant.
Coding change: c.9505A>G on transcript NM_001291303.3 (MANE Select); coding-DNA position 9505, A replaced by G.
Protein change: p.Ile3169Val; replaces isoleucine 3169 with valine.
Molecular consequence: missense variant.
Genome position (GRCh38, 1-based): chr4:125,450,515, A>G. VCF-style: chr4-125450515-A-G. GRCh37 (hg19) VCF-style: chr4-126371670-A-G.
Other names: c.9505A>G, p.Ile3169Val (NM_001291285.3); c.9499A>G, p.Ile3167Val (NM_024582.6); c.9499A>G (NM_024582.5); short protein forms I3167V, I3169V.
Identifiers: ClinVar variation 2057181 (VCV002057181.4), dbSNP rs373263802, ClinGen allele CA3073537.

ClinVar aggregate classification (germline): Uncertain significance. Review status: criteria provided, multiple submitters, no conflicts (2 of 4 stars). 2 submissions from 2 submitters: Uncertain significance (2). Last evaluated 2024-02-07.

Conditions:
Hennekam lymphangiectasia-lymphedema syndrome 2 (HKLLS2). Identifiers: Orphanet 2136, MedGen C4014939, MONDO:0014454, OMIM 616006.
Van Maldergem syndrome 2 (VMLDS2). Identifiers: Orphanet 314679, MedGen C3809875, MONDO:0014242, OMIM 615546.

Allele frequency attached by ClinVar (database versions not stated): ExAC 0.00001; gnomAD 0.00001; TOPMed 0.00001; gnomAD exomes 0.00002; ESP Exome Variant Server 0.00008.
gnomAD v4.1: 27 of 1,614,010 alleles (0.0017%); highest among the groups gnomAD compares: Non-Finnish European, 0.0022%; no homozygotes.

Submissions (2):

Fulgent Genetics
Classification: Uncertain significance for Van Maldergem syndrome 2; Hennekam lymphangiectasia-lymphedema syndrome 2. Last evaluated: 2024-02-07. Review status: criteria provided, single submitter. Criteria: ACMG Guidelines, 2015. Collection method: clinical testing. Allele origin: germline.

Labcorp Genetics (formerly Invitae), Labcorp
Classification: Uncertain significance. Last evaluated: 2021-12-21. Review status: criteria provided, single submitter. Criteria: Invitae Variant Classification Sherloc (09022015). Collection method: clinical testing. Allele origin: germline.
Comment: This sequence change replaces isoleucine, which is neutral and non-polar, with valine, which is neutral and non-polar, at codon 3167 of the FAT4 protein (p.Ile3167Val). This variant is present in population databases (rs373263802, gnomAD 0.01%). This variant has not been reported in the literature in individuals affected with FAT4-related conditions. Advanced modeling of protein sequence and biophysical properties (such as structural, functional, and spatial information, amino acid conservation, physicochemical variation, residue mobility, and thermodynamic stability) performed at Invitae indicates that this missense variant is not expected to disrupt FAT4 protein function. In summary, the available evidence is currently insufficient to determine the role of this variant in disease. Therefore, it has been classified as a Variant of Uncertain Significance.